The following is an entry in ClinVar:

ClinVar aggregate classification (germline): Uncertain significance (1 of 4 stars; one submission).

Conditions:
Hereditary cancer-predisposing syndrome. Also called: Tumor predisposition; Neoplastic Syndromes, Hereditary; Hereditary Cancer Syndrome; Hereditary neoplastic syndrome. Identifiers: Orphanet 140162, MedGen C0027672, MeSH D009386, MONDO:0015356.

gnomAD v4.1: 1 of 1,607,958 alleles (0.000062%); highest among the groups gnomAD compares: Non-Finnish European, 0.000085%; no homozygotes.

Submission:

Ambry Genetics
Classification: Uncertain significance for Hereditary cancer-predisposing syndrome. Last evaluated: 2025-02-03. Review status: criteria provided, single submitter. Criteria: Ambry Variant Classification Scheme 2023. Collection method: clinical testing. Allele origin: germline.
Comment: The p.T1131K variant (also known as c.3392C>A), located in coding exon 24 of the MSH3 gene, results from a C to A substitution at nucleotide position 3392. The threonine at codon 1131 is replaced by lysine, an amino acid with similar properties. This amino acid position is conserved. In addition, this alteration is predicted to be tolerated by in silico analysis. Based on the available evidence, the clinical significance of this variant remains unclear.

NM_002439.5(MSH3):c.3392C>A (p.Thr1131Lys)

Gene: MSH3 (mutS homolog 3; plus strand). Cytogenetic location: 5q14.1.
Variant type: single nucleotide variant.
Coding change: c.3392C>A on transcript NM_002439.5 (MANE Select); coding-DNA position 3392, C replaced by A.
Protein change: p.Thr1131Lys; replaces threonine 1131 with lysine.
Molecular consequence: missense variant.
Genome position (GRCh38, 1-based): chr5:80,875,840, C>A. VCF-style: chr5-80875840-C-A. GRCh37 (hg19) VCF-style: chr5-80171659-C-A.
Other names: short protein forms T1131K.
Identifiers: ClinVar variation 3874981 (VCV003874981.1).